The following is an entry in ClinVar:

ClinVar aggregate classification (germline): Conflicting classifications of pathogenicity. Review status: criteria provided, conflicting classifications (1 of 4 stars). 12 submissions from 11 submitters: Pathogenic (9); Likely pathogenic (1); Uncertain significance (1). 1 of the submissions does not count toward it. Last evaluated 2025-04-02.

Conditions:
Isolated thoracic aortic aneurysm.
Marfan syndrome (MFS). Also called: FBN1-Related Marfan Syndrome; Marfan syndrome, classic; MARFAN SYNDROME, TYPE I; Marfan syndrome type 1; Marfan's syndrome. Identifiers: Orphanet 284963, Orphanet 558, MedGen C0024796, MONDO:0007947, OMIM 154700.
Ectopia lentis 1, isolated, autosomal dominant (ECTOL1). Identifiers: Orphanet 1885, MedGen C3541518, MONDO:0007514, OMIM 129600.
Acromicric dysplasia (ACMICD). Also called: Acromicric skeletal dysplasia. Identifiers: Orphanet 969, MedGen C0265287, MONDO:0007055, OMIM 102370.
MASS syndrome (OCTD). Also called: MASS PHENOTYPE; OVERLAP CONNECTIVE TISSUE DISEASE. Identifiers: MedGen C1858556, MONDO:0011431, OMIM 604308.
Stiff skin syndrome (SSKS). Identifiers: Orphanet 2833, MedGen C1861456, MONDO:0008492, OMIM 184900.
Weill-Marchesani syndrome 2, dominant. Also called: FBN1-Related Weill-Marchesani Syndrome; Weill-Marchesani Syndrome, Autosomal Dominant. Identifiers: Orphanet 2084, MedGen C1869115, MONDO:0012013, OMIM 608328.
Progeroid and marfanoid aspect-lipodystrophy syndrome. Also called: MARFANOID-PROGEROID SYNDROME; MARFAN-PROGEROID-LIPODYSTROPHY SYNDROME; Marfan lipodystrophy syndrome; MARFANOID-PROGEROID-LIPODYSTROPHY SYNDROME. Identifiers: Orphanet 300382, MedGen C4310796, MONDO:0014831, OMIM 616914.
Geleophysic dysplasia 2 (GPHYSD2). Identifiers: Orphanet 2623, MedGen C3280054, MONDO:0013612, OMIM 614185.
Marfan Syndrome/Loeys-Dietz Syndrome/Familial Thoracic Aortic Aneurysms and Dissections. Identifiers: MedGen CN229799.
Familial thoracic aortic aneurysm and aortic dissection (TAAD). Also called: Thoracic aortic aneurysms and dissections. Identifiers: Orphanet 91387, MedGen C4707243, MONDO:0019625.
FBN1-related disorder. Also called: FBN1-related disorders.

Submissions (12):

Ambry Genetics
Classification: Pathogenic for Familial thoracic aortic aneurysm and aortic dissection. Last evaluated: 2025-04-02. Review status: criteria provided, single submitter. Criteria: Ambry Variant Classification Scheme 2023. Collection method: clinical testing. Allele origin: germline.
Comment: The p.E2610K pathogenic mutation (also known as c.7828G>A), located in coding exon 63 of the FBN1 gene, results from a G to A substitution at nucleotide position 7828. The glutamic acid at codon 2610 is replaced by lysine, an amino acid with similar properties, and is located in the cbEGF-like #42 domain. This mutation has been reported in several individuals with a diagnosis of Marfan syndrome based on Ghent criteria and has been reported as de novo in several cases (Liu WO et al. Genet. Test. 1997-1998;1(4):237-42; Arbustini E et al. Hum Mutat. 2005 Nov;26(5):494; Baetens M et al. Hum Mutat. 2011;32(9):1053-62; Baetens M et al. Hum Mutat, 2011 Sep;32:1053-62; Becerra-Mu&ntilde;oz VM et al. Orphanet J Rare Dis, 2018 01;13:16). This amino acid position is highly conserved in available vertebrate species. In addition, this alteration is predicted to be deleterious by in silico analysis. This variant is considered to be rare based on population cohorts in the Genome Aggregation Database (gnomAD). Based on the supporting evidence, this alteration is interpreted as a disease-causing mutation.

Women's Health and Genetics/Laboratory Corporation of America, LabCorp
Classification: Pathogenic for Marfan Syndrome/Loeys-Dietz Syndrome/Familial Thoracic Aortic Aneurysms and Dissections. Last evaluated: 2025-02-03. Review status: criteria provided, single submitter. Criteria: LabCorp Variant Classification Summary - May 2015. Collection method: clinical testing. Allele origin: germline.
Comment: Variant summary: FBN1 c.7828G>A (p.Glu2610Lys) results in a conservative amino acid change located in the Calcium binding EGF like domain of the encoded protein sequence. Four of five in-silico tools predict a damaging effect of the variant on protein function. The variant was absent in 250958 control chromosomes. c.7828G>A has been reported in the literature in multiple individuals affected with Marfan Syndrome (examples: Arbustini_2005, Backer_2006, Comeglio_2007, Baetens_2011, Aalberts_2014).These data indicate that the variant is very likely to be associated with disease. To our knowledge, no experimental evidence demonstrating an impact on protein function has been reported. The following publications have been ascertained in the context of this evaluation (PMID: 10464652, 10533071, 12938084, 16222657, 17657824, 21542060, 20224973, 24161884, 24941995, 16845272, 26133393). ClinVar contains an entry for this variant (Variation ID: 264272). Based on the evidence outlined above, the variant was classified as pathogenic.

Labcorp Genetics (formerly Invitae), Labcorp
Classification: Pathogenic for Marfan syndrome; Familial thoracic aortic aneurysm and aortic dissection. Last evaluated: 2024-09-21. Review status: criteria provided, single submitter. Criteria: Invitae Variant Classification Sherloc (09022015). Collection method: clinical testing. Allele origin: germline.
Comment: This sequence change replaces glutamic acid, which is acidic and polar, with lysine, which is basic and polar, at codon 2610 of the FBN1 protein (p.Glu2610Lys). This variant is not present in population databases (gnomAD no frequency). This missense change has been observed in individual(s) with Marfan syndrome (PMID: 10464652, 10533071, 16222657, 17657824, 17701892, 21542060, 24161884). ClinVar contains an entry for this variant (Variation ID: 264272). Invitae Evidence Modeling of protein sequence and biophysical properties (such as structural, functional, and spatial information, amino acid conservation, physicochemical variation, residue mobility, and thermodynamic stability) indicates that this missense variant is expected to disrupt FBN1 protein function with a positive predictive value of 95%. For these reasons, this variant has been classified as Pathogenic.

Centre of Medical Genetics, University of Antwerp
Classification: Pathogenic for Familial thoracic aortic aneurysm and aortic dissection. Last evaluated: 2024-09-06. Review status: criteria provided, single submitter. Criteria: ACMG Guidelines, 2015. Collection method: clinical testing. Allele origin: germline. Affected: yes.
Comment: P(PM1-2, 5; PP3, 5)

Blueprint Genetics
Classification: Pathogenic for FBN1-related disorders. Last evaluated: 2023-12-21. Review status: criteria provided, single submitter. Criteria: ACMG Guidelines, 2015. Collection method: clinical testing. Allele origin: germline. Affected: yes. Observed: 3 variant alleles.

GeneDx
Classification: Pathogenic. Last evaluated: 2023-05-08. Review status: criteria provided, single submitter. Criteria: GeneDx Variant Classification Process June 2021. Collection method: clinical testing. Allele origin: germline. Affected: yes.
Comment: Not observed at significant frequency in large population cohorts (gnomAD); In silico analysis supports that this missense variant has a deleterious effect on protein structure/function; This variant is associated with the following publications: (PMID: 17657824, 35058154, 31098894, 33436942, 33824467, 10533071, 17701892, 16222657, 10464652, 29357934, 21542060, 27724990, 24161884, 26133393, 20591885)

Centre of Medical Genetics, University of Antwerp
Classification: Likely pathogenic for Marfan syndrome. Last evaluated: 2021-03-01. Review status: criteria provided, single submitter. Criteria: Submitter's publication. Collection method: research. Allele origin: unknown. Affected: yes. Observed: 2 variant alleles.
Comment: PM2, PS6, PP4

Fulgent Genetics
Classification: Pathogenic for Acromicric dysplasia; Ectopia lentis 1, isolated, autosomal dominant; Marfan syndrome; Stiff skin syndrome; MASS syndrome; Weill-Marchesani syndrome 2, dominant; Geleophysic dysplasia 2; Progeroid and marfanoid aspect-lipodystrophy syndrome. Last evaluated: 2018-10-31. Review status: criteria provided, single submitter. Criteria: ACMG Guidelines, 2015. Collection method: clinical testing. Allele origin: unknown.

Department of Vascular Biology, Beijing Anzhen Hospital
Classification: Uncertain significance for Isolated thoracic aortic aneurysm. Last evaluated: 2018-09-01. Review status: criteria provided, single submitter. Criteria: ACMG Guidelines, 2015. Collection method: research. Allele origin: germline. Affected: yes.

Center for Human Genetics, Inc
Classification: Pathogenic for Marfan syndrome. Last evaluated: 2016-11-01. Review status: criteria provided, single submitter. Criteria: ACMG Guidelines, 2015. Collection method: clinical testing. Allele origin: germline. Affected: yes.

Clinical Genetics Service, Universitary Hospital 12 de Octubre
Classification: Pathogenic for Marfan syndrome. Review status: criteria provided, single submitter. Criteria: ACMG Guidelines, 2015. Collection method: clinical testing. Allele origin: germline. Affected: yes.

Center for Medical Genetics Ghent, University of Ghent
Classification: Likely pathogenic for Marfan syndrome. Last evaluated: 2017-11-07. Review status: no assertion criteria provided. Collection method: clinical testing. Allele origin: germline. Affected: yes. Not counted in ClinVar's aggregate classification.

Literature cited by the submitters: PubMed 10464652 (cited by 3 submitters); PubMed 12938084 (cited by Ambry Genetics and Women's Health and Genetics/Laboratory Corporation of America, LabCorp); PubMed 16222657 (cited by 3 submitters); PubMed 17657824 (cited by 3 submitters); PubMed 21542060 (cited by 3 submitters); PubMed 26133393 (cited by Ambry Genetics and Women's Health and Genetics/Laboratory Corporation of America, LabCorp); PubMed 29357934 (cited by Ambry Genetics); PubMed 31098894 (cited by Ambry Genetics); PubMed 33436942 (cited by Ambry Genetics); PubMed 33824467 (cited by Ambry Genetics); PubMed 10533071 (cited by Women's Health and Genetics/Laboratory Corporation of America, LabCorp and Labcorp Genetics (formerly Invitae), Labcorp); PubMed 20224973 (cited by Women's Health and Genetics/Laboratory Corporation of America, LabCorp); PubMed 24161884 (cited by Women's Health and Genetics/Laboratory Corporation of America, LabCorp and Labcorp Genetics (formerly Invitae), Labcorp); PubMed 24941995 (cited by Women's Health and Genetics/Laboratory Corporation of America, LabCorp); PubMed 16845272 (cited by Women's Health and Genetics/Laboratory Corporation of America, LabCorp); PubMed 17701892 (cited by Labcorp Genetics (formerly Invitae), Labcorp).

NM_000138.5(FBN1):c.7828G>A (p.Glu2610Lys)

Gene: FBN1 (fibrillin 1; minus strand). Cytogenetic location: 15q21.1.
Variant type: single nucleotide variant.
Coding change: c.7828G>A on transcript NM_000138.5 (MANE Select); coding-DNA position 7828, G replaced by A.
Protein change: p.Glu2610Lys; replaces glutamic acid 2610 with lysine.
Molecular consequence: missense variant.
Genome position (GRCh38, 1-based): chr15:48,415,759, C>T on the plus strand (G>A on the coding strand, the complement: FBN1 is on the minus strand). VCF-style: chr15-48415759-C-T. GRCh37 (hg19) VCF-style: chr15-48707956-C-T.
Other names: short protein forms E2610K.
Identifiers: ClinVar variation 264272 (VCV000264272.43), dbSNP rs111984349, ClinGen allele CA10587789.
Genomic context (GRCh38, chr15:48,415,759, plus strand): 5'-TGTAGCTCCCCAGGGTGTTGTGACAGGAGGCTCCTCCGCAGATGTGAGCGCTGAGGCATT[C>T]GTTTTCATCTGCAGGCAAAATAAGAAGCGGCATGTGTGGCAGCAGCCAGAGATTTCTATT-3'
Protein context (NP_000129.3, residues 2600-2620): YQWNQCVDEN[Glu2610Lys]CLSAHICGGA